The following is an entry in ClinVar:

NM_001831.4(CLU):c.608C>T (p.Thr203Ile)

Gene: CLU (clusterin; minus strand). Cytogenetic location: 8p21.1.
Variant type: single nucleotide variant.
Coding change: c.608C>T on transcript NM_001831.4 (MANE Select); coding-DNA position 608, C replaced by T.
Protein change: p.Thr203Ile; replaces threonine 203 with isoleucine.
Molecular consequence: missense variant. On other transcripts: non-coding transcript variant (2).
Genome position (GRCh38, 1-based): chr8:27,605,145, G>A on the plus strand (C>T on the coding strand, the complement: CLU is on the minus strand). VCF-style: chr8-27605145-G-A. GRCh37 (hg19) VCF-style: chr8-27462662-G-A.
Other names: short protein forms T203I.
Identifiers: ClinVar variation 428612 (VCV000428612.18), dbSNP rs41276297, ClinGen allele CA4690924.

ClinVar aggregate classification (germline): Likely benign. Review status: criteria provided, multiple submitters, no conflicts (2 of 4 stars). 5 submissions from 5 submitters: Likely benign (4). 1 of the submissions does not count toward it. Last evaluated 2025-04-01.

Conditions:
CLU-related disorder. Also called: CLU-related condition.
Alzheimer disease. Also called: Alzheimer's disease; Presenile and senile dementia. Identifiers: Orphanet 1020, MedGen C0002395, MeSH D000544, MONDO:0004975, HP:0002511.

Allele frequency attached by ClinVar (database versions not stated): TOPMed 0.00218; ESP Exome Variant Server 0.00269; gnomAD exomes 0.00377 and 0.00196; 1000 Genomes Project 0.00140; 1000 Genomes Project 30x 0.00156; ExAC 0.00167; gnomAD 0.00216 and 0.00218.
gnomAD v4.1: 5,839 of 1,614,200 alleles (0.36%); highest among the groups gnomAD compares: Non-Finnish European, 0.46%; 18 homozygotes.

Submissions (5):

CeGaT Center for Human Genetics Tuebingen
Classification: Likely benign. Last evaluated: 2025-04-01. Review status: criteria provided, single submitter. Criteria: CeGaT Center For Human Genetics Tuebingen Variant Classification Criteria Version 2. Collection method: clinical testing. Allele origin: germline. Affected: yes. Observed: 2 variant alleles.
Comment: CLU: BP4, BS2

PreventionGenetics, part of Exact Sciences
Classification: Likely benign for CLU-related condition. Last evaluated: 2024-12-06. Review status: criteria provided, single submitter. Criteria: ACMG Guidelines, 2015. Collection method: clinical testing. Allele origin: germline.
Comment: This variant is classified as likely benign based on ACMG/AMP sequence variant interpretation guidelines (Richards et al. 2015 PMID: 25741868, with internal and published modifications).

Blueprint Genetics
Classification: Likely benign. Last evaluated: 2024-11-20. Review status: criteria provided, single submitter. Criteria: ACMG Guidelines, 2015. Collection method: clinical testing. Allele origin: germline.

Labcorp Genetics (formerly Invitae), Labcorp
Classification: Likely benign. Last evaluated: 2018-10-10. Review status: criteria provided, single submitter. Criteria: Invitae Variant Classification Sherloc (09022015). Collection method: clinical testing. Allele origin: germline.

Myllykangas group, University of Helsinki
Classification: Likely benign for Alzheimer disease type 1. Review status: no assertion criteria provided. Collection method: research. Allele origin: inherited. Inheritance: Autosomal dominant inheritance. Affected: yes. Observed: 1 variant allele, 1 heterozygote. Not counted in ClinVar's aggregate classification.

Literature cited by the submitters: PubMed 29476165 (cited by Myllykangas group, University of Helsinki).